The following is an entry in ClinVar:

ClinVar aggregate classification (germline): Uncertain significance (1 of 4 stars; one submission).

Submission:

Labcorp Genetics (formerly Invitae), Labcorp
Classification: Uncertain significance. Last evaluated: 2024-11-02. Review status: criteria provided, single submitter. Criteria: Invitae Variant Classification Sherloc (09022015). Collection method: clinical testing. Allele origin: germline.
Comment: This sequence change replaces arginine, which is basic and polar, with glutamine, which is neutral and polar, at codon 195 of the DTNBP1 protein (p.Arg195Gln). This variant is present in population databases (rs776893674, gnomAD 0.004%). This variant has not been reported in the literature in individuals affected with DTNBP1-related conditions. Invitae Evidence Modeling of protein sequence and biophysical properties (such as structural, functional, and spatial information, amino acid conservation, physicochemical variation, residue mobility, and thermodynamic stability) indicates that this missense variant is not expected to disrupt DTNBP1 protein function with a negative predictive value of 80%. In summary, the available evidence is currently insufficient to determine the role of this variant in disease. Therefore, it has been classified as a Variant of Uncertain Significance.

NM_032122.5(DTNBP1):c.584G>A (p.Arg195Gln)

Gene: DTNBP1 (dystrobrevin binding protein 1; minus strand). Cytogenetic location: 6p22.3.
Variant type: single nucleotide variant.
Coding change: c.584G>A on transcript NM_032122.5 (MANE Select); coding-DNA position 584, G replaced by A.
Protein change: p.Arg195Gln; replaces arginine 195 with glutamine.
Molecular consequence: missense variant. On other transcripts: non-coding transcript variant (1).
Genome position (GRCh38, 1-based): chr6:15,533,323, C>T on the plus strand (G>A on the coding strand, the complement: DTNBP1 is on the minus strand). VCF-style: chr6-15533323-C-T. GRCh37 (hg19) VCF-style: chr6-15533554-C-T.
Other names: c.341G>A, p.Arg114Gln (NM_001271667.2); c.533G>A, p.Arg178Gln (NM_001271668.2); c.479G>A, p.Arg160Gln (NM_001271669.2); c.584G>A, p.Arg195Gln (NM_183040.2); short protein forms R114Q, R160Q, R178Q, R195Q.
Identifiers: ClinVar variation 3613469 (VCV003613469.1).